The following is an entry in ClinVar:

ClinVar aggregate classification (germline): Uncertain significance (1 of 4 stars; one submission).

Conditions:
Dystonic disorder. Also called: Dystonia. Identifiers: MedGen C0013421, MONDO:0003441, HP:0001332.

Submission:

Labcorp Genetics (formerly Invitae), Labcorp
Classification: Uncertain significance for Dystonic disorder. Last evaluated: 2023-05-01. Review status: criteria provided, single submitter. Criteria: Invitae Variant Classification Sherloc (09022015). Collection method: clinical testing. Allele origin: germline.
Comment: This sequence change creates a premature translational stop signal (p.Glu229Lysfs*29) in the TOR1A gene. While this is not anticipated to result in nonsense mediated decay, it is expected to disrupt the last 104 amino acid(s) of the TOR1A protein. This variant is not present in population databases (gnomAD no frequency). This variant has not been reported in the literature in individuals affected with TOR1A-related conditions. In summary, the available evidence is currently insufficient to determine the role of this variant in disease. Therefore, it has been classified as a Variant of Uncertain Significance.

NM_000113.3(TOR1A):c.685del (p.Glu229fs)

Gene: TOR1A (torsin family 1 member A; minus strand). Cytogenetic location: 9q34.11.
Variant type: Deletion.
Coding change: c.685del on transcript NM_000113.3 (MANE Select); coding-DNA position 685, one base deleted (G; older notation c.685delG).
Protein change: p.Glu229fs; shifts the reading frame from glutamic acid 229.
Molecular consequence: frameshift variant.
Genome position (GRCh38, 1-based): chr9:129,818,583, C deleted on the plus strand (G on the coding strand, the reverse complement: TOR1A is on the minus strand); the first of 3 consecutive C bases (chr9:129,818,583-129,818,585); deleting any one gives the same sequence. VCF-style (leftmost placement, unchanged base first): chr9-129818582-TC-T. GRCh37 (hg19) VCF-style: chr9-132580861-TC-T.
Other names: short protein forms E229fs.
Identifiers: ClinVar variation 3020955 (VCV003020955.3), dbSNP rs2031100333, ClinGen allele CA1129454768.